The following is an entry in ClinVar:

NM_032119.4(ADGRV1):c.13358A>G (p.His4453Arg)

Gene: ADGRV1 (adhesion G protein-coupled receptor V1; plus strand). Cytogenetic location: 5q14.3.
Variant type: single nucleotide variant.
Coding change: c.13358A>G on transcript NM_032119.4 (MANE Select); coding-DNA position 13358, A replaced by G.
Protein change: p.His4453Arg; replaces histidine 4453 with arginine.
Molecular consequence: missense variant. On other transcripts: non-coding transcript variant (1).
Genome position (GRCh38, 1-based): chr5:90,783,250, A>G. VCF-style: chr5-90783250-A-G. GRCh37 (hg19) VCF-style: chr5-90079067-A-G.
Other names: short protein forms H4453R.
Identifiers: ClinVar variation 426807 (VCV000426807.24), dbSNP rs200212083, ClinGen allele CA3341506.
Genomic context (GRCh38, chr5:90,783,250, plus strand): 5'-CAGCTGATTTCATCTCTCAGAGCTCCTCTGCCAGTCCCGGAGGTGTTGATTACATTTTGC[A>G]TGGCAGTACAGTCACCTTTCAGCATGGGCAAAACTTAAGTTTTATAAATATCTCCATCAT-3'
Protein context (NP_115495.3, residues 4443-4463): ASPGGVDYIL[His4453Arg]GSTVTFQHGQ

ClinVar aggregate classification (germline): Conflicting classifications of pathogenicity. Review status: criteria provided, conflicting classifications (1 of 4 stars). 7 submissions from 7 submitters: Uncertain significance (6); Likely benign (1). Last evaluated 2026-06-10.

Conditions:
Usher syndrome type 2C. Also called: USHER SYNDROME, TYPE IIC; Usher syndrome, type 2B. Identifiers: Orphanet 231178, Orphanet 886, MedGen C2931213, MONDO:0011558, OMIM 605472.
Febrile seizures, familial, 4 (FEB4). Also called: CONVULSIONS, FAMILIAL FEBRILE, 4. Identifiers: MedGen C1858493, MONDO:0011443, OMIM 604352.

Allele frequency attached by ClinVar (database versions not stated): TOPMed 0.00024; gnomAD 0.00027; ESP Exome Variant Server 0.00041; gnomAD exomes 0.00046 and 0.00020; ExAC 0.00012.
gnomAD v4.1: 752 of 1,613,512 alleles (0.047%); highest among the groups gnomAD compares: Non-Finnish European, 0.058%; no homozygotes.

Submissions (7):

Women's Health and Genetics/Laboratory Corporation of America, LabCorp
Classification: Uncertain significance. Last evaluated: 2026-06-10. Review status: criteria provided, single submitter. Criteria: LabCorp Variant Classification Summary - May 2015. Collection method: clinical testing. Allele origin: germline.
Comment: Variant summary: ADGRV1 c.13358A>G (p.His4453Arg) results in a non-conservative amino acid change in the encoded protein sequence. Algorithms developed to predict the effect of missense changes on protein structure and function are either unavailable or do not agree on the potential impact of this missense change. The variant allele was found at a frequency of 0.0002 in 249038 control chromosomes. This frequency is not significantly higher than estimated for disease-causing variants in ADGRV1, allowing no conclusion about variant significance. To our knowledge, no occurrence of c.13358A>G in individuals affected with ADGRV1-related conditions and no experimental evidence demonstrating its impact on protein function have been reported. ClinVar contains an entry for this variant (Variation ID: 426807). Based on the evidence outlined above, the variant was classified as uncertain significance.

GeneDx
Classification: Uncertain significance. Last evaluated: 2026-02-09. Review status: criteria provided, single submitter. Criteria: GeneDx Variant Classification Process June 2021. Collection method: clinical testing. Allele origin: germline. Affected: yes.
Comment: In silico analysis suggests that this missense variant does not alter protein structure/function; Identified in a patient belonging to an Usher syndrome cohort and classified as being probably neutral in published literature (PMID: 22135276); This variant is associated with the following publications: (PMID: 22135276)

Labcorp Genetics (formerly Invitae), Labcorp
Classification: Likely benign. Last evaluated: 2026-01-20. Review status: criteria provided, single submitter. Criteria: Invitae Variant Classification Sherloc (09022015). Collection method: clinical testing. Allele origin: germline.

CeGaT Center for Human Genetics Tuebingen
Classification: Uncertain significance. Last evaluated: 2025-12-01. Review status: criteria provided, single submitter. Criteria: CeGaT Center For Human Genetics Tuebingen Variant Classification Criteria Version 2. Collection method: clinical testing. Allele origin: germline. Affected: yes. Observed: 1 variant allele.
Comment: ADGRV1: PM2, BP4

Blueprint Genetics
Classification: Uncertain significance. Last evaluated: 2024-10-10. Review status: criteria provided, single submitter. Criteria: ACMG Guidelines, 2015. Collection method: clinical testing. Allele origin: germline.

Laboratory for Molecular Medicine, Mass General Brigham Personalized Medicine
Classification: Uncertain significance. Last evaluated: 2019-06-21. Review status: criteria provided, single submitter. Criteria: LMM Criteria. Collection method: clinical testing. Allele origin: germline. Observed: 1 variant allele.
Comment: The p.His4453Arg variant in ADGRV1 has not been previously reported in individuals with hearing loss or Usher syndrome, but has been identified in 0.03% (48/128280) of European chromosomes by gnomAD. This variant has also been reported in ClinVar (Variation ID 426807). Computational prediction tools and conservation analysis do not provide strong support for or against an impact to the protein. In summary, the clinical significance of this variant is uncertain. ACMG/AMP Criteria applied: PM2_Supporting.

Fulgent Genetics
Classification: Uncertain significance for Febrile seizures, familial, 4; Usher syndrome type 2C. Last evaluated: 2018-10-31. Review status: criteria provided, single submitter. Criteria: ACMG Guidelines, 2015. Collection method: clinical testing. Allele origin: unknown.